The following is an entry in ClinVar:

ClinVar aggregate classification (germline): Uncertain significance. Review status: criteria provided, multiple submitters, no conflicts (2 of 4 stars). 4 submissions from 4 submitters: Uncertain significance (4). Last evaluated 2025-07-14.

Conditions:
Hereditary cancer-predisposing syndrome. Also called: Hereditary neoplastic syndrome; Hereditary Cancer Syndrome; Neoplastic Syndromes, Hereditary; Tumor predisposition. Identifiers: Orphanet 140162, MedGen C0027672, MeSH D009386, MONDO:0015356.
Tuberous sclerosis syndrome (TSC). Also called: Tuberous Sclerosis Complex; Tuberous sclerosis. Identifiers: Orphanet 805, MedGen C0041341, MONDO:0001734.
Tuberous sclerosis 2 (TSC2). Identifiers: Orphanet 805, MedGen C1860707, MONDO:0013199, OMIM 613254.

gnomAD v4.1: 2 of 1,612,866 alleles (0.00012%); highest among the groups gnomAD compares: African/African-American, 0.0013%; no homozygotes.

Submissions (4):

Color Diagnostics, LLC DBA Color Health
Classification: Uncertain significance for Tuberous sclerosis syndrome. Last evaluated: 2025-07-14. Review status: criteria provided, single submitter. Criteria: ACMG Guidelines, 2015. Collection method: clinical testing. Allele origin: germline.
Comment: This variant causes a G to T nucleotide substitution at the +5 position of intron 25/41 of the TSC2 gene. To our knowledge, functional studies have not been reported for this variant. This variant has not been reported in individuals affected with TSC2-related disorders in the literature. This variant has not been identified in the general population by the Genome Aggregation Database (gnomAD). The available evidence is insufficient to determine the role of this variant in disease conclusively. Therefore, this variant is classified as a Variant of Uncertain Significance.

Mayo Clinic Laboratories, Mayo Clinic
Classification: Uncertain significance. Last evaluated: 2025-06-12. Review status: criteria provided, single submitter. Criteria: ACMG Guidelines, 2015. Collection method: clinical testing. Allele origin: germline. Observed: 1 variant allele.
Comment: BP4, PM2_supporting

Ambry Genetics
Classification: Uncertain significance for Hereditary cancer-predisposing syndrome. Last evaluated: 2025-03-03. Review status: criteria provided, single submitter. Criteria: Ambry Variant Classification Scheme 2023. Collection method: clinical testing. Allele origin: germline.
Comment: The c.2837+5G>T intronic variant results from a G to T substitution 5 nucleotides after coding exon 24 in the TSC2 gene. This nucleotide position is well conserved in available vertebrate species. In silico splice site analysis predicts that this alteration will not have any significant effect on splicing. Based on the available evidence, the clinical significance of this variant remains unclear.

Labcorp Genetics (formerly Invitae), Labcorp
Classification: Uncertain significance for Tuberous sclerosis 2. Last evaluated: 2023-11-09. Review status: criteria provided, single submitter. Criteria: Invitae Variant Classification Sherloc (09022015). Collection method: clinical testing. Allele origin: germline.
Comment: This sequence change falls in intron 25 of the TSC2 gene. It does not directly change the encoded amino acid sequence of the TSC2 protein. It affects a nucleotide within the consensus splice site. This variant is not present in population databases (gnomAD no frequency). This variant has not been reported in the literature in individuals affected with TSC2-related conditions. Variants that disrupt the consensus splice site are a relatively common cause of aberrant splicing (PMID: 17576681, 9536098). Algorithms developed to predict the effect of sequence changes on RNA splicing suggest that this variant is not likely to affect RNA splicing. In summary, the available evidence is currently insufficient to determine the role of this variant in disease. Therefore, it has been classified as a Variant of Uncertain Significance.

Literature cited by the submitters: PubMed 17576681 (cited by Labcorp Genetics (formerly Invitae), Labcorp); PubMed 9536098 (cited by Labcorp Genetics (formerly Invitae), Labcorp).

NM_000548.5(TSC2):c.2837+5G>T

Gene: TSC2 (TSC complex subunit 2; plus strand). Cytogenetic location: 16p13.3.
Variant type: single nucleotide variant.
Coding change: c.2837+5G>T on transcript NM_000548.5 (MANE Select); 5 bases into the intron after coding-DNA position 2837, G replaced by T.
Molecular consequence: intron variant.
Genome position (GRCh38, 1-based): chr16:2,076,590, G>T. VCF-style: chr16-2076590-G-T. GRCh37 (hg19) VCF-style: chr16-2126591-G-T.
Other names: c.1493+5G>T (NM_001406693.1, NM_001406689.1, NM_001406690.1 and 6 more transcripts); c.2927+5G>T (NM_001406667.1, NM_001406668.1); c.2237+5G>T (NM_001406680.1, NM_001406683.1, NM_001406687.1 and 6 more transcripts); c.1235+5G>T (NM_001406698.1); c.2837+5G>T (NM_001114382.3, NM_001406663.1, NM_001406664.1 and 7 more transcripts); c.2825+5G>T (NM_001406671.1, NM_001406673.1); c.2375+5G>T (NM_001406681.1); c.2726+5G>T (NM_001406670.1, NM_001318827.2, NM_001406678.1); and 3 more.
Identifiers: ClinVar variation 3010577 (VCV003010577.6), dbSNP rs786203791, ClinGen allele CA718907506.